The following is an entry in ClinVar:

NM_014141.6(CNTNAP2):c.848G>A (p.Arg283His)

Gene: CNTNAP2 (contactin associated protein 2; plus strand). Cytogenetic location: 7q35.
Variant type: single nucleotide variant.
Coding change: c.848G>A on transcript NM_014141.6 (MANE Select); coding-DNA position 848, G replaced by A.
Protein change: p.Arg283His; replaces arginine 283 with histidine.
Molecular consequence: missense variant.
Genome position (GRCh38, 1-based): chr7:147,121,072, G>A. VCF-style: chr7-147121072-G-A. GRCh37 (hg19) VCF-style: chr7-146818164-G-A.
Other names: short protein forms R283H.
Identifiers: ClinVar variation 967600 (VCV000967600.6), dbSNP rs764747425, ClinGen allele CA4545902.

ClinVar aggregate classification (germline): Uncertain significance. Review status: criteria provided, multiple submitters, no conflicts (2 of 4 stars). 2 submissions from 2 submitters: Uncertain significance (2). Last evaluated 2025-04-04.

Conditions:
Inborn genetic diseases. Identifiers: MedGen C0950123, MeSH D030342.
Cortical dysplasia-focal epilepsy syndrome (PTHSL1). Also called: Pitt-Hopkins-like syndrome 1. Identifiers: Orphanet 163681, Orphanet 221150, MedGen C2750246, MONDO:0012400, OMIM 610042.

Allele frequency attached by ClinVar (database versions not stated): ExAC 0.00002; gnomAD 0.00002; gnomAD exomes 0.00002; TOPMed 0.00002.
gnomAD v4.1: 27 of 1,613,958 alleles (0.0017%); highest among the groups gnomAD compares: African/African-American, 0.0027%; no homozygotes.

Submissions (2):

Ambry Genetics
Classification: Uncertain significance for Inborn genetic diseases. Last evaluated: 2025-04-04. Review status: criteria provided, single submitter. Criteria: Ambry Variant Classification Scheme 2023. Collection method: clinical testing. Allele origin: germline.

Labcorp Genetics (formerly Invitae), Labcorp
Classification: Uncertain significance for Cortical dysplasia-focal epilepsy syndrome. Last evaluated: 2022-09-07. Review status: criteria provided, single submitter. Criteria: Invitae Variant Classification Sherloc (09022015). Collection method: clinical testing. Allele origin: germline.
Comment: This sequence change replaces arginine, which is basic and polar, with histidine, which is basic and polar, at codon 283 of the CNTNAP2 protein (p.Arg283His). This variant is present in population databases (rs764747425, gnomAD 0.007%). This variant has not been reported in the literature in individuals affected with CNTNAP2-related conditions. ClinVar contains an entry for this variant (Variation ID: 967600). Algorithms developed to predict the effect of missense changes on protein structure and function are either unavailable or do not agree on the potential impact of this missense change (SIFT: "Deleterious"; PolyPhen-2: "Benign"; Align-GVGD: "Class C0"). In summary, the available evidence is currently insufficient to determine the role of this variant in disease. Therefore, it has been classified as a Variant of Uncertain Significance.